The following is an entry in ClinVar:

NM_024642.5(GALNT12):c.288G>A (p.Glu96=)

Gene: GALNT12 (polypeptide N-acetylgalactosaminyltransferase 12; plus strand). Cytogenetic location: 9q22.33.
Variant type: single nucleotide variant.
Coding change: c.288G>A on transcript NM_024642.5 (MANE Select); coding-DNA position 288, G replaced by A.
Protein change: p.Glu96=; no amino-acid change (glutamic acid 96 retained).
Molecular consequence: synonymous variant.
Genome position (GRCh38, 1-based): chr9:98,807,986, G>A. VCF-style: chr9-98807986-G-A. GRCh37 (hg19) VCF-style: chr9-101570268-G-A.
Identifiers: ClinVar variation 710522 (VCV000710522.14), dbSNP rs1456078114, ClinGen allele CA466647559.
Genomic context (GRCh38, chr9:98,807,986, plus strand): 5'-CGCGCGGGGCGAGGCGGTGCGGCTGCAGCTGCAGGGCGAGGAGCTGCGGCTGCAGGAGGA[G>A]AGCGTGCGGCTGCACCAGATTAACATCTACCTCAGCGACCGCATCTCACTGCACCGCCGC-3'
Protein context (NP_078918.3, residues 86-106): LQGEELRLQE[Glu96=]SVRLHQINIY

ClinVar aggregate classification (germline): Benign/Likely benign. Review status: criteria provided, multiple submitters, no conflicts (2 of 4 stars). 3 submissions from 3 submitters: Benign (1); Likely benign (2). Last evaluated 2026-04-23.

Conditions:
Colorectal cancer, susceptibility to, 1. Also called: COLORECTAL ADENOMA AND CANCER, SUSCEPTIBILITY TO; COLORECTAL CANCER, SUSCEPTIBILITY TO, ON CHROMOSOME 9. Identifiers: MedGen C1837315, MONDO:0012132, OMIM 608812.

Allele frequency attached by ClinVar (database versions not stated): gnomAD exomes 0.00001 and below 0.00001; TOPMed 0.00002; gnomAD 0.00002.
gnomAD v4.1: 5 of 1,522,164 alleles (0.00033%); highest among the groups gnomAD compares: Admixed American, 0.01%; no homozygotes.

Submissions (3):

Myriad Genetics, Inc.
Classification: Benign for Colorectal cancer, susceptibility to, 1. Last evaluated: 2026-04-23. Review status: criteria provided, single submitter. Criteria: Myriad Autosomal Dominant, Autosomal Recessive and X-Linked Classification Criteria (2023). Collection method: clinical testing. Allele origin: unknown.
Comment: This variant is considered benign. This variant is a silent/synonymous amino acid change and it is not expected to impact splicing.

Labcorp Genetics (formerly Invitae), Labcorp
Classification: Likely benign. Last evaluated: 2025-06-22. Review status: criteria provided, single submitter. Criteria: Invitae Variant Classification Sherloc (09022015). Collection method: clinical testing. Allele origin: germline.

Ambry Genetics
Classification: Likely benign. Last evaluated: 2019-07-03. Review status: criteria provided, single submitter. Criteria: Ambry Variant Classification Scheme 2023. Collection method: clinical testing. Allele origin: germline.